The following is an entry in ClinVar:

ClinVar aggregate classification (germline): Uncertain significance (1 of 4 stars; one submission).

Allele frequency attached by ClinVar (database versions not stated): gnomAD exomes below 0.00001.

Submission:

Labcorp Genetics (formerly Invitae), Labcorp
Classification: Uncertain significance. Last evaluated: 2022-07-26. Review status: criteria provided, single submitter. Criteria: Invitae Variant Classification Sherloc (09022015). Collection method: clinical testing. Allele origin: germline.
Comment: This sequence change replaces tyrosine, which is neutral and polar, with cysteine, which is neutral and slightly polar, at codon 329 of the TOPORS protein (p.Tyr329Cys). This variant is not present in population databases (gnomAD no frequency). In summary, the available evidence is currently insufficient to determine the role of this variant in disease. Therefore, it has been classified as a Variant of Uncertain Significance. Algorithms developed to predict the effect of sequence changes on RNA splicing suggest that this variant may create or strengthen a splice site. Algorithms developed to predict the effect of missense changes on protein structure and function are either unavailable or do not agree on the potential impact of this missense change (SIFT: "Tolerated"; PolyPhen-2: "Probably Damaging"; Align-GVGD: "Class C0"). ClinVar contains an entry for this variant (Variation ID: 1035799). This variant has not been reported in the literature in individuals affected with TOPORS-related conditions.

NM_005802.5(TOPORS):c.986A>G (p.Tyr329Cys)

Gene: TOPORS (TOP1 binding arginine/serine rich protein, E3 ubiquitin ligase; minus strand). Cytogenetic location: 9p21.1.
Variant type: single nucleotide variant.
Coding change: c.986A>G on transcript NM_005802.5 (MANE Select); coding-DNA position 986, A replaced by G.
Protein change: p.Tyr329Cys; replaces tyrosine 329 with cysteine.
Molecular consequence: missense variant.
Genome position (GRCh38, 1-based): chr9:32,543,539, T>C on the plus strand (A>G on the coding strand, the complement: TOPORS is on the minus strand). VCF-style: chr9-32543539-T-C. GRCh37 (hg19) VCF-style: chr9-32543537-T-C.
Other names: c.791A>G, p.Tyr264Cys (NM_001195622.2); short protein forms Y264C, Y329C.
Identifiers: ClinVar variation 1035799 (VCV001035799.8), dbSNP rs1821102166, ClinGen allele CA373171443.
Genomic context (GRCh38, chr9:32,543,539, plus strand): 5'-TCAGTTCGATTAAGTAAAAATGGTCTTAAATCAGACACAAATGCCTGACTCTCCAAGTCA[T>C]AGCGAGTAACATTACTCATGATAATATGCTGGACAATATTCACTAAAGATCCATGAGCTC-3'
Protein context (NP_005793.2, residues 319-339): QHIIMSNVTR[Tyr329Cys]DLESQAFVSD